The following is an entry in ClinVar:

ClinVar aggregate classification (germline): Uncertain significance (1 of 4 stars; one submission).

Conditions:
Charcot-Marie-Tooth disease type 2E (CMT2E). Also called: CHARCOT-MARIE-TOOTH DISEASE, AXONAL, TYPE 2E; CHARCOT-MARIE-TOOTH NEUROPATHY, TYPE 2E. Identifiers: Orphanet 99939, MedGen C1843225, MONDO:0011894, OMIM 607684.

Allele frequency attached by ClinVar (database versions not stated): gnomAD exomes below 0.00001.
gnomAD v4.1: 2 of 1,606,806 alleles (0.00012%); highest among the groups gnomAD compares: Non-Finnish European, 0.00017%; no homozygotes.

Submission:

Labcorp Genetics (formerly Invitae), Labcorp
Classification: Uncertain significance for Charcot-Marie-Tooth disease type 2E. Last evaluated: 2018-08-18. Review status: criteria provided, single submitter. Criteria: Invitae Variant Classification Sherloc (09022015). Collection method: clinical testing. Allele origin: germline.
Comment: This variant is not present in population databases (ExAC no frequency). In summary, the available evidence is currently insufficient to determine the role of this variant in disease. Therefore, it has been classified as a Variant of Uncertain Significance. Algorithms developed to predict the effect of missense changes on protein structure and function (SIFT, PolyPhen-2, Align-GVGD) all suggest that this variant is likely to be disruptive, but these predictions have not been confirmed by published functional studies and their clinical significance is uncertain. This variant has not been reported in the literature in individuals with NEFL-related disease. This sequence change replaces tyrosine with asparagine at codon 139 of the NEFL protein (p.Tyr139Asn). The tyrosine residue is highly conserved and there is a large physicochemical difference between tyrosine and asparagine.

NM_006158.5(NEFL):c.415T>A (p.Tyr139Asn)

Gene: NEFL (neurofilament light chain; minus strand). Cytogenetic location: 8p21.2.
Variant type: single nucleotide variant.
Coding change: c.415T>A on transcript NM_006158.5 (MANE Select); coding-DNA position 415, T replaced by A.
Protein change: p.Tyr139Asn; replaces tyrosine 139 with asparagine.
Molecular consequence: missense variant.
Genome position (GRCh38, 1-based): chr8:24,956,101, A>T on the plus strand (T>A on the coding strand, the complement: NEFL is on the minus strand). VCF-style: chr8-24956101-A-T. GRCh37 (hg19) VCF-style: chr8-24813615-A-T.
Other names: short protein forms Y139N.
Identifiers: ClinVar variation 645139 (VCV000645139.4), dbSNP rs868126991, ClinGen allele CA370622477.